The following is an entry in ClinVar:

ClinVar aggregate classification (germline): Uncertain significance. Review status: criteria provided, multiple submitters, no conflicts (2 of 4 stars). 2 submissions from 2 submitters: Uncertain significance (2). Last evaluated 2025-09-02.

Conditions:
Inborn genetic diseases. Identifiers: MedGen C0950123, MeSH D030342.

Allele frequency attached by ClinVar (database versions not stated): TOPMed 0.00009; ESP Exome Variant Server 0.00008; ExAC 0.00021; gnomAD 0.00016.
gnomAD v4.1: 228 of 1,610,168 alleles (0.014%); highest among the groups gnomAD compares: Middle Eastern, 0.13%; no homozygotes.

Submissions (2):

Dasa
Classification: Uncertain significance. Last evaluated: 2025-09-02. Review status: criteria provided, single submitter. Criteria: DASA Assertion Criteria. Collection method: clinical testing. Allele origin: germline.
Comment: NM_139248.3(LIPH):c.539C>G (p.Ala180Gly) is a missense variant that results in the substitution of alanine with glycine. This variant is rare in population databases. Computational prediction algorithms are consistent with a deleterious effect. The currently available literature and clinical evidence are not sufficient to establish a definitive association between this variant and the reported condition. Therefore, this variant is classified as a variant of uncertain significance.

Ambry Genetics
Classification: Uncertain significance for Inborn genetic diseases. Last evaluated: 2022-01-07. Review status: criteria provided, single submitter. Criteria: Ambry Variant Classification Scheme 2023. Collection method: clinical testing. Allele origin: germline.

NM_139248.3(LIPH):c.539C>G (p.Ala180Gly)

Gene: LIPH (lipase H; minus strand). Cytogenetic location: 3q27.2.
Variant type: single nucleotide variant.
Coding change: c.539C>G on transcript NM_139248.3 (MANE Select); coding-DNA position 539, C replaced by G.
Protein change: p.Ala180Gly; replaces alanine 180 with glycine.
Molecular consequence: missense variant.
Genome position (GRCh38, 1-based): chr3:185,527,573, G>C on the plus strand (C>G on the coding strand, the complement: LIPH is on the minus strand). VCF-style: chr3-185527573-G-C. GRCh37 (hg19) VCF-style: chr3-185245361-G-C.
Other names: short protein forms A180G.
Identifiers: ClinVar variation 2383263 (VCV002383263.4), dbSNP rs138900382, ClinGen allele CA2740578.